The following is an entry in ClinVar:

ClinVar aggregate classification (germline): Conflicting classifications of pathogenicity. Review status: criteria provided, conflicting classifications (1 of 4 stars). 4 submissions from 4 submitters: Uncertain significance (1); Benign (1); Likely benign (1). 1 of the submissions does not count toward it. Last evaluated 2024-08-15.

Conditions:
DMD-related disorder. Also called: DMD-related condition.

Allele frequency attached by ClinVar (database versions not stated): 1000 Genomes Project 0.00132; 1000 Genomes Project 30x 0.00146; gnomAD exomes 0.00019 and 0.00044; ESP Exome Variant Server 0.00021; gnomAD 0.00046 and 0.00049; ExAC 0.00050; TOPMed 0.00071.
gnomAD v4.1: 247 of 1,123,334 alleles (0.022%); highest among the groups gnomAD compares: Admixed American, 0.17%; 1 homozygote.

Submissions (4):

Blueprint Genetics
Classification: Likely benign. Last evaluated: 2024-08-15. Review status: criteria provided, single submitter. Criteria: ACMG Guidelines, 2015. Collection method: clinical testing. Allele origin: germline.

GeneDx
Classification: Benign. Last evaluated: 2019-11-15. Review status: criteria provided, single submitter. Criteria: GeneDx Variant Classification Process June 2021. Collection method: clinical testing. Allele origin: germline. Affected: yes.

Laboratory for Molecular Medicine, Mass General Brigham Personalized Medicine
Classification: Uncertain significance. Last evaluated: 2015-06-05. Review status: criteria provided, single submitter. Criteria: LMM Criteria. Collection method: clinical testing. Allele origin: germline. Observed: 1 variant allele.
Comment: Variant classified as Uncertain Significance - Favor Benign. The c.48+4C>T varia nt in DMD has not been previously reported in individuals with cardiomyopathy, b ut has been identified in 0.2% (10/4843) of African chromosomes by the Exome Agg regation Consortium (ExAC; dbSNP rs140237546). T his variant is located in the 3' splice region. Although computational tools do not suggest an impact to splicing, this information is not predictive enough to rule out pathogenicity. In summary, while the clinical significance of the c.48+ 4C>T variant is uncertain, its frequency suggests that it is more likely to be b enign.

PreventionGenetics, part of Exact Sciences
Classification: Likely benign for DMD-related condition. Last evaluated: 2023-11-17. Review status: no assertion criteria provided. Collection method: clinical testing. Allele origin: germline. Not counted in ClinVar's aggregate classification.
Comment: This variant is classified as likely benign based on ACMG/AMP sequence variant interpretation guidelines (Richards et al. 2015 PMID: 25741868, with internal and published modifications).

NM_004006.3(DMD):c.4072-245C>T

Gene: DMD (dystrophin; minus strand). Cytogenetic location: Xp21.1.
Variant type: single nucleotide variant.
Coding change: c.4072-245C>T on transcript NM_004006.3 (MANE Select); 245 bases into the intron before coding-DNA position 4072, C replaced by T.
Molecular consequence: intron variant. On other transcripts: 5 prime UTR variant (1).
Genome position (GRCh38, 1-based): chrX:32,412,158, G>A on the plus strand (C>T on the coding strand, the complement: DMD is on the minus strand). VCF-style: chrX-32412158-G-A. GRCh37 (hg19) VCF-style: chrX-32430275-G-A.
Other names: c.-101C>T (NM_004012.4); c.4048-245C>T (NM_000109.4); c.48+4C>T (NM_004011.4); c.4060-245C>T (NM_004009.3); c.3703-245C>T (NM_004010.3).
Identifiers: ClinVar variation 94610 (VCV000094610.9), dbSNP rs140237546, ClinGen allele CA222392.